The following is an entry in ClinVar:

ClinVar aggregate classification (germline): Benign/Likely benign. Review status: criteria provided, multiple submitters, no conflicts (2 of 4 stars). 10 submissions from 10 submitters: Benign (4); Likely benign (3). 3 of the submissions do not count toward it. Last evaluated 2026-07-01.

Conditions:
COQ8A-related disorder. Also called: COQ8A-related condition.

Allele frequency attached by ClinVar (database versions not stated): 1000 Genomes Project 0.00080; 1000 Genomes Project 30x 0.00094; TOPMed 0.00170; ESP Exome Variant Server 0.00200; gnomAD 0.00229.
gnomAD v4.1: 3,689 of 1,612,792 alleles (0.23%); highest among the groups gnomAD compares: Non-Finnish European, 0.24%; 9 homozygotes.

Submissions (10):

CeGaT Center for Human Genetics Tuebingen
Classification: Likely benign. Last evaluated: 2026-07-01. Review status: criteria provided, single submitter. Criteria: CeGaT Center For Human Genetics Tuebingen Variant Classification Criteria Version 2. Collection method: clinical testing. Allele origin: germline. Affected: yes. Observed: 19 variant alleles.
Comment: COQ8A: BP4, BP7

Labcorp Genetics (formerly Invitae), Labcorp
Classification: Benign. Last evaluated: 2026-01-15. Review status: criteria provided, single submitter. Criteria: Invitae Variant Classification Sherloc (09022015). Collection method: clinical testing. Allele origin: germline.

Mayo Clinic Laboratories, Mayo Clinic
Classification: Benign. Last evaluated: 2025-03-17. Review status: criteria provided, single submitter. Criteria: ACMG Guidelines, 2015. Collection method: clinical testing. Allele origin: germline. Observed: 5 variant alleles.
Comment: BS1, BS2, BP4, BP7

Blueprint Genetics
Classification: Likely benign. Last evaluated: 2024-11-21. Review status: criteria provided, single submitter. Criteria: ACMG Guidelines, 2015. Collection method: clinical testing. Allele origin: germline.

Athena Diagnostics
Classification: Benign. Last evaluated: 2017-12-30. Review status: criteria provided, single submitter. Criteria: Athena Diagnostics Criteria. Collection method: clinical testing. Allele origin: germline.

GeneDx
Classification: Benign. Last evaluated: 2013-05-08. Review status: criteria provided, single submitter. Criteria: GeneDx Variant Classification (06012015). Collection method: clinical testing. Allele origin: germline. Affected: yes.
Comment: This variant is considered likely benign or benign based on one or more of the following criteria: it is a conservative change, it occurs at a poorly conserved position in the protein, it is predicted to be benign by multiple in silico algorithms, and/or has population frequency not consistent with disease.

Breakthrough Genomics
Classification: Likely benign. Review status: criteria provided, single submitter. Criteria: ACMG Guidelines, 2015. Collection method: not provided. Allele origin: germline. Inheritance: Autosomal recessive inheritance. Affected: yes.

PreventionGenetics, part of Exact Sciences
Classification: Benign for COQ8A-related condition. Last evaluated: 2021-01-28. Review status: no assertion criteria provided. Collection method: clinical testing. Allele origin: germline. Not counted in ClinVar's aggregate classification.
Comment: This variant is classified as benign based on ACMG/AMP sequence variant interpretation guidelines (Richards et al. 2015 PMID: 25741868, with internal and published modifications).

Clinical Genetics DNA and cytogenetics Diagnostics Lab, Erasmus MC, Erasmus Medical Center
Classification: Likely benign. Review status: no assertion criteria provided. Collection method: clinical testing. Allele origin: germline. Affected: yes. Study: VKGL Data-share Consensus. Not counted in ClinVar's aggregate classification.

Genome Diagnostics Laboratory, University Medical Center Utrecht
Classification: Likely benign. Review status: no assertion criteria provided. Collection method: clinical testing. Allele origin: germline. Affected: yes. Study: VKGL Data-share Consensus. Not counted in ClinVar's aggregate classification.

NM_020247.5(COQ8A):c.948C>T (p.Leu316=)

Gene: COQ8A (coenzyme Q8A; plus strand). Cytogenetic location: 1q42.13.
Variant type: single nucleotide variant.
Coding change: c.948C>T on transcript NM_020247.5 (MANE Select); coding-DNA position 948, C replaced by T.
Protein change: p.Leu316=; no amino-acid change (leucine 316 retained).
Molecular consequence: synonymous variant.
Genome position (GRCh38, 1-based): chr1:226,982,902, C>T. VCF-style: chr1-226982902-C-T. GRCh37 (hg19) VCF-style: chr1-227170603-C-T.
Other names: p.L316L:CTC>CTT; p.Leu316=.
Identifiers: ClinVar variation 136301 (VCV000136301.51), dbSNP rs55637780, ClinGen allele CA289307.